The following is an entry in ClinVar:

ClinVar aggregate classification (germline): Benign/Likely benign. Review status: criteria provided, multiple submitters, no conflicts (2 of 4 stars). 5 submissions from 5 submitters: Benign (2); Likely benign (3). Last evaluated 2026-01-31.

Conditions:
RASopathy. Also called: Noonan spectrum disorder; rasopathies. Identifiers: Orphanet 536391, MedGen C5555857, MONDO:0021060.

Submissions (5):

Labcorp Genetics (formerly Invitae), Labcorp
Classification: Benign for RASopathy. Last evaluated: 2026-01-31. Review status: criteria provided, single submitter. Criteria: Invitae Variant Classification Sherloc (09022015). Collection method: clinical testing. Allele origin: germline.

Blueprint Genetics
Classification: Likely benign. Last evaluated: 2023-10-13. Review status: criteria provided, single submitter. Criteria: ACMG Guidelines, 2015. Collection method: clinical testing. Allele origin: germline.

ARUP Laboratories, Molecular Genetics and Genomics, ARUP Laboratories
Classification: Likely benign. Last evaluated: 2022-04-08. Review status: criteria provided, single submitter. Criteria: ARUP Molecular Germline Variant Investigation Process 2021. Collection method: clinical testing. Allele origin: germline.

Women's Health and Genetics/Laboratory Corporation of America, LabCorp
Classification: Benign. Last evaluated: 2021-10-02. Review status: criteria provided, single submitter. Criteria: LabCorp Variant Classification Summary - May 2015. Collection method: clinical testing. Allele origin: germline.

GeneDx
Classification: Likely benign. Last evaluated: 2017-10-24. Review status: criteria provided, single submitter. Criteria: GeneDx Variant Classification (06012015). Collection method: clinical testing. Allele origin: germline. Affected: yes.
Comment: This variant is considered likely benign or benign based on one or more of the following criteria: it is a conservative change, it occurs at a poorly conserved position in the protein, it is predicted to be benign by multiple in silico algorithms, and/or has population frequency not consistent with disease.

Literature cited by the submitters: PubMed 27121720 (cited by Women's Health and Genetics/Laboratory Corporation of America, LabCorp); PubMed 24806883 (cited by Women's Health and Genetics/Laboratory Corporation of America, LabCorp); PubMed 17671181 (cited by Women's Health and Genetics/Laboratory Corporation of America, LabCorp); PubMed 23325582 (cited by Women's Health and Genetics/Laboratory Corporation of America, LabCorp); PubMed 27069254 (cited by Women's Health and Genetics/Laboratory Corporation of America, LabCorp).

NM_002524.5(NRAS):c.451-21_451-19del

Gene: NRAS (NRAS proto-oncogene, GTPase; minus strand). Cytogenetic location: 1p13.2.
Variant type: Deletion.
Coding change: c.451-21_451-19del on transcript NM_002524.5 (MANE Select); 21 bases into the intron before coding-DNA position 451 through 19 bases into the intron before coding-DNA position 451, 3 bases deleted (TTT; older notation c.451-21_451-19delTTT).
Molecular consequence: intron variant.
Genome position (GRCh38, 1-based): chr1:114,708,673-114,708,675, AAA deleted on the plus strand (TTT on the coding strand, the reverse complement: NRAS is on the minus strand); deleting any 3 consecutive bases within chr1:114,708,673-114,708,680 gives the same sequence; the c. name uses the placement nearest the transcript's 3' end. VCF-style (leftmost placement, unchanged base first): chr1-114708672-GAAA-G. GRCh37 (hg19) VCF-style: chr1-115251293-GAAA-G.
Other names: c.451-21_451-19del (LRG_92t1); c.451-21_451-19delTTT (NM_002524.3).
Identifiers: ClinVar variation 418807 (VCV000418807.13), dbSNP rs754048062, ClinGen allele CA1020693.
Genomic context (GRCh38, chr1:114,708,672, plus strand): 5'-GGCGTATTTCTCTTACCAGTGTGTAAAAAGCATCTTCAACACCCTATAAAAGGAAAAAAT[GAAA>G]AAAAATGAGAGAGCTAGCTCAACGGACACAATCCAAATTATAAGCTCTCTTGCATTTGTA-3'